The following is an entry in ClinVar:

ClinVar aggregate classification (germline): Likely pathogenic (1 of 4 stars; one submission).

Conditions:
Cardiovascular phenotype. Identifiers: MedGen CN230736.

gnomAD v4.1: 3 of 1,613,886 alleles (0.00019%); highest among the groups gnomAD compares: Non-Finnish European, 0.00025%; no homozygotes.

Submission:

Molecular Diagnostic Laboratory for Inherited Cardiovascular Disease, Montreal Heart Institute
Classification: Likely pathogenic for Cardiovascular phenotype. Last evaluated: 2025-09-15. Review status: criteria provided, single submitter. Criteria: ACMG Guidelines, 2015. Collection method: clinical testing. Allele origin: germline. Affected: yes.
Comment: PVS1, PM2

NM_032588.4(TRIM63):c.855-1G>A

Gene: TRIM63 (tripartite motif containing 63; minus strand). Cytogenetic location: 1p36.11.
Variant type: single nucleotide variant.
Coding change: c.855-1G>A on transcript NM_032588.4 (MANE Select); the canonical splice acceptor site of the intron before coding-DNA position 855, G replaced by A.
Molecular consequence: splice acceptor variant.
Genome position (GRCh38, 1-based): chr1:26,057,328, C>T on the plus strand (G>A on the coding strand, the complement: TRIM63 is on the minus strand). VCF-style: chr1-26057328-C-T. GRCh37 (hg19) VCF-style: chr1-26383819-C-T.
Identifiers: ClinVar variation 4820381 (VCV004820381.1), dbSNP rs1198785486.
Genomic context (GRCh38, chr1:26,057,328, plus strand): 5'-ATGTTCTCAAAGCCCTGCTCTGTCTTCCCCAGCTGGCAGCCCTTGGAAGCTTCCACAATG[C>T]TGCAGGGGAGACAGAAAGAGAGGCAGGATGAGGTCTCTGGGGCTCAGTGCAGGGAAGAGA-3'